The following is an entry in ClinVar:

NM_000256.3(MYBPC3):c.2596C>A (p.Pro866Thr)

Gene: MYBPC3 (myosin binding protein C3; minus strand). Cytogenetic location: 11p11.2.
Variant type: single nucleotide variant.
Coding change: c.2596C>A on transcript NM_000256.3 (MANE Select); coding-DNA position 2596, C replaced by A.
Protein change: p.Pro866Thr; replaces proline 866 with threonine.
Molecular consequence: missense variant.
Genome position (GRCh38, 1-based): chr11:47,337,397, G>T on the plus strand (C>A on the coding strand, the complement: MYBPC3 is on the minus strand). VCF-style: chr11-47337397-G-T. GRCh37 (hg19) VCF-style: chr11-47358948-G-T.
Other names: short protein forms P866T.
Identifiers: ClinVar variation 1513952 (VCV001513952.6), dbSNP rs1283850206, ClinGen allele CA380317989.

ClinVar aggregate classification (germline): Uncertain significance (1 of 4 stars; one submission).

Conditions:
Hypertrophic cardiomyopathy. Also called: HYPERTROPHIC MYOCARDIOPATHY. Identifiers: Orphanet 217569, MedGen C0007194, MeSH D002312, MONDO:0005045, HP:0001639.

Allele frequency attached by ClinVar (database versions not stated): gnomAD exomes below 0.00001.
gnomAD v4.1: 1 of 1,590,528 alleles (0.000063%); highest among the groups gnomAD compares: African/African-American, 0.0013%; no homozygotes.

Submission:

Labcorp Genetics (formerly Invitae), Labcorp
Classification: Uncertain significance for Hypertrophic cardiomyopathy. Last evaluated: 2021-10-31. Review status: criteria provided, single submitter. Criteria: Invitae Variant Classification Sherloc (09022015). Collection method: clinical testing. Allele origin: germline.
Comment: In summary, the available evidence is currently insufficient to determine the role of this variant in disease. Therefore, it has been classified as a Variant of Uncertain Significance. Algorithms developed to predict the effect of missense changes on protein structure and function (SIFT, PolyPhen-2, Align-GVGD) all suggest that this variant is likely to be disruptive. This variant has not been reported in the literature in individuals affected with MYBPC3-related conditions. This variant is not present in population databases (gnomAD no frequency). This sequence change replaces proline, which is neutral and non-polar, with threonine, which is neutral and polar, at codon 866 of the MYBPC3 protein (p.Pro866Thr).